The following is an entry in ClinVar:

NM_001201539.2(ARSF):c.1102+5G>A

Gene: ARSF (arylsulfatase F; plus strand). Cytogenetic location: Xp22.33.
Variant type: single nucleotide variant.
Coding change: c.1102+5G>A on transcript NM_001201539.2 (MANE Select); 5 bases into the intron after coding-DNA position 1102, G replaced by A.
Molecular consequence: intron variant.
Genome position (GRCh38, 1-based): chrX:3,101,226, G>A. VCF-style: chrX-3101226-G-A. GRCh37 (hg19) VCF-style: chrX-3019267-G-A.
Other names: NC_000023.10:g.3019267G>A; c.1102+5G>A (NM_001201538.2, NM_004042.5).
Identifiers: ClinVar variation 771943 (VCV000771943.7), dbSNP rs41297277, ClinGen allele CA10339046.
Genomic context (GRCh38, chrX:3,101,226, plus strand): 5'-TTTGGAAGCTAGGCGAGGGCATGCCCAACTTGGTGGATGGAATGGAATATACAAAGGTGA[G>A]GAGAGGAACTCATGCAAGTGATCTGGTGGTGAATAAGCTTTTTTGTGGTTCTTATAATTA-3'

ClinVar aggregate classification (germline): Likely benign. Review status: criteria provided, multiple submitters, no conflicts (2 of 4 stars). 3 submissions from 3 submitters: Likely benign (2). 1 of the submissions does not count toward it. Last evaluated 2017-09-25.

Conditions:
ARSF-related disorder. Also called: ARSF-related condition.

Allele frequency attached by ClinVar (database versions not stated): 1000 Genomes Project 30x 0.00208; 1000 Genomes Project 0.00212; ExAC 0.00303; gnomAD exomes 0.00332 and 0.00525; TOPMed 0.00441; ESP Exome Variant Server 0.00445; gnomAD 0.00452 and 0.00456.
gnomAD v4.1: 6,224 of 1,203,742 alleles (0.52%); highest among the groups gnomAD compares: Non-Finnish European, 0.63%; 12 homozygotes.

Submissions (6):

Labcorp Genetics (formerly Invitae), Labcorp
Classification: Likely benign. Last evaluated: 2017-09-25. Review status: criteria provided, single submitter. Criteria: Invitae Variant Classification Sherloc (09022015). Collection method: clinical testing. Allele origin: germline.

Breakthrough Genomics
Classification: Likely benign. Review status: criteria provided, single submitter. Criteria: ACMG Guidelines, 2015. Collection method: not provided. Allele origin: germline. Inheritance: Unknown mechanism. Affected: yes.

PreventionGenetics, part of Exact Sciences
Classification: Likely benign for ARSF-related condition. Last evaluated: 2019-11-08. Review status: no assertion criteria provided. Collection method: clinical testing. Allele origin: germline. Not counted in ClinVar's aggregate classification.
Comment: This variant is classified as likely benign based on ACMG/AMP sequence variant interpretation guidelines (Richards et al. 2015 PMID: 25741868, with internal and published modifications).

Dr. Peter K. Rogan Lab, Western University
No classification provided (evidence only). Condition: Acute myeloid leukemia. Review status: no classification provided. Collection method: in vitro. Allele origin: not applicable. Functional consequence: retained intron. Not counted in ClinVar's aggregate classification.

Dr. Peter K. Rogan Lab, Western University
No classification provided (evidence only). Condition: Nonpapillary renal cell carcinoma. Review status: no classification provided. Collection method: in vitro. Allele origin: not applicable. Functional consequence: retained intron. Not counted in ClinVar's aggregate classification.

Dr. Peter K. Rogan Lab, Western University
No classification provided (evidence only). Condition: Gastric cancer. Review status: no classification provided. Collection method: in vitro. Allele origin: not applicable. Functional consequence: retained intron. Not counted in ClinVar's aggregate classification.